The following is an entry in ClinVar:

ClinVar aggregate classification (germline): Uncertain significance. Review status: no assertion criteria provided (0 of 4 stars). 2 submissions from 1 submitter: Uncertain significance (1). 1 of the submissions does not count toward it.

Submissions (2):

Richard Lifton Laboratory, Yale University School of Medicine
Classification: Uncertain significance. Review status: no assertion criteria provided. Collection method: not provided. Allele origin: somatic.
Comment: ARHGEF9:p.L349I
ClinVar note: Converted during submission from unknown to Uncertain significance.

Richard Lifton Laboratory, Yale University School of Medicine
Classification: Uncertain significance. Review status: flagged submission. Collection method: not provided. Allele origin: somatic. Not counted in ClinVar's aggregate classification.
ClinVar note: Converted during submission from unknown to Uncertain significance.
ClinVar note: Reason: This record appears to be redundant with a more recent record from the same submitter.
ClinVar note: Notes: SCV000120086 appears to be redundant with SCV000155190.

NM_001353921.2(ARHGEF9):c.1066C>A (p.Leu356Ile)

Gene: ARHGEF9 (Cdc42 guanine nucleotide exchange factor 9; minus strand). Cytogenetic location: Xq11.1.
Variant type: single nucleotide variant.
Coding change: c.1066C>A on transcript NM_001353921.2 (MANE Select); coding-DNA position 1066, C replaced by A.
Protein change: p.Leu356Ile; replaces leucine 356 with isoleucine.
Molecular consequence: missense variant. On other transcripts: intron variant (5).
Genome position (GRCh38, 1-based): chrX:63,665,897, G>T on the plus strand (C>A on the coding strand, the complement: ARHGEF9 is on the minus strand). VCF-style: chrX-63665897-G-T. GRCh37 (hg19) VCF-style: chrX-62885777-G-T.
Other names: c.886C>A, p.Leu296Ile (NM_001173479.2); c.739C>A, p.Leu247Ile (NM_001173480.2, NM_001369042.1); c.982C>A, p.Leu328Ile (NM_001330495.2, NM_001369033.1, NM_001369034.1 and 6 more transcripts); c.1084C>A, p.Leu362Ile (NM_001353923.1); c.865C>A, p.Leu289Ile (NM_001353924.2, NM_001353926.2, NM_001369039.1 and 1 more transcripts); c.1045C>A, p.Leu349Ile (NM_001369030.1, NM_001369031.1, NM_001369032.1 and 1 more transcripts); c.945+8141C>A (NM_001353922.2); c.861+8141C>A (NM_001369041.1, NM_001353927.2); and 2 more; short protein forms L349I, L247I, L289I, L356I, L296I, L328I, L362I.
Identifiers: ClinVar variation 100861 (VCV000100861.2), dbSNP rs483352738, ClinGen allele CA229148.
Genomic context (GRCh38, chrX:63,665,897, plus strand): 5'-TACCCTGTTAGGTACCCATCTCCCTCAGGGAAGAAGGGGGCAGGGTTACCTTCTTGCAGA[G>T]GACCATCTGGTGGTCAAACAGGAAGAAGACCCGCTGCTGGTTGCGGCCGTAGGGCTGGTA-3'
Protein context (NP_001340850.1, residues 346-366): VFFLFDHQMV[Leu356Ile]CKKDLIRRDI